The following is an entry in ClinVar:

NM_014780.5(CUL7):c.4033G>A (p.Gly1345Arg)

Gene: CUL7 (cullin 7; minus strand). Cytogenetic location: 6p21.1.
Variant type: single nucleotide variant.
Coding change: c.4033G>A on transcript NM_014780.5 (MANE Select); coding-DNA position 4033, G replaced by A.
Protein change: p.Gly1345Arg; replaces glycine 1345 with arginine.
Molecular consequence: missense variant.
Genome position (GRCh38, 1-based): chr6:43,040,417, C>T on the plus strand (G>A on the coding strand, the complement: CUL7 is on the minus strand). VCF-style: chr6-43040417-C-T. GRCh37 (hg19) VCF-style: chr6-43008155-C-T.
Other names: c.4129G>A, p.Gly1377Arg (NM_001168370.2, NM_001374872.1); c.4033G>A, p.Gly1345Arg (NM_001374873.1); c.4030G>A, p.Gly1344Arg (NM_001374874.1); short protein forms G1344R, G1345R, G1377R.
Identifiers: ClinVar variation 2103601 (VCV002103601.4), dbSNP rs2532599765, ClinGen allele CA364195951.
Genomic context (GRCh38, chr6:43,040,417, plus strand): 5'-CCACTGCTGCTGCCCCAGCTTCCTCTTCCTTCTCGCTCTTGTGCTCCTTGCCACTGGCCC[C>T]AAGGCCCACCTGAAGGAGCACAGGGTTCCCAGATGCCATGGCCTCCTCCAGTCTGCTCCA-3'
Protein context (NP_055595.2, residues 1335-1355): DTEKKIQVGL[Gly1345Arg]ASGKEHKSEK

ClinVar aggregate classification (germline): Uncertain significance (1 of 4 stars; one submission).

Allele frequency attached by ClinVar (database versions not stated): gnomAD exomes below 0.00001.
gnomAD v4.1: 1 of 1,612,620 alleles (0.000062%); highest among the groups gnomAD compares: South Asian, 0.0011%; no homozygotes.

Submission:

Labcorp Genetics (formerly Invitae), Labcorp
Classification: Uncertain significance. Last evaluated: 2022-02-25. Review status: criteria provided, single submitter. Criteria: Invitae Variant Classification Sherloc (09022015). Collection method: clinical testing. Allele origin: germline.
Comment: In summary, the available evidence is currently insufficient to determine the role of this variant in disease. Therefore, it has been classified as a Variant of Uncertain Significance. Algorithms developed to predict the effect of missense changes on protein structure and function output the following: SIFT: "Tolerated"; PolyPhen-2: "Benign"; Align-GVGD: "Class C0". The arginine amino acid residue is found in multiple mammalian species, which suggests that this missense change does not adversely affect protein function. This variant has not been reported in the literature in individuals affected with CUL7-related conditions. This variant is not present in population databases (gnomAD no frequency). This sequence change replaces glycine, which is neutral and non-polar, with arginine, which is basic and polar, at codon 1345 of the CUL7 protein (p.Gly1345Arg).